The following is an entry in ClinVar:

NM_001048174.2(MUTYH):c.766G>A (p.Glu256Lys)

Gene: MUTYH (mutY DNA glycosylase; minus strand). Cytogenetic location: 1p34.1.
Variant type: single nucleotide variant.
Coding change: c.766G>A on transcript NM_001048174.2 (MANE Select); coding-DNA position 766, G replaced by A.
Protein change: p.Glu256Lys; replaces glutamic acid 256 with lysine.
Molecular consequence: missense variant. On other transcripts: non-coding transcript variant (7).
Genome position (GRCh38, 1-based): chr1:45,332,249, C>T on the plus strand (G>A on the coding strand, the complement: MUTYH is on the minus strand). VCF-style: chr1-45332249-C-T. GRCh37 (hg19) VCF-style: chr1-45797921-C-T.
Other names: c.766G>A, p.Glu256Lys (NM_001048171.2, NM_001048173.2, NM_001293195.2 and 6 more transcripts); c.769G>A, p.Glu257Lys (NM_001048172.2, NM_001407071.1, NM_001407078.1 and 1 more transcripts); c.850G>A, p.Glu284Lys (NM_001128425.2); c.811G>A, p.Glu271Lys (NM_001293190.2); c.799G>A, p.Glu267Lys (NM_001293191.2, NM_001407069.1, NM_001407077.1); c.490G>A, p.Glu164Lys (NM_001293192.2, NM_001293196.2, NM_001407091.1); c.421G>A, p.Glu141Lys (NM_001350650.2, NM_001350651.2, NM_001407082.1); c.682G>A, p.Glu228Lys (NM_001407075.1); and 5 more; short protein forms E256K, E257K, E263K, E267K, E270K, E141K, E228K, E242K.
Identifiers: ClinVar variation 2587446 (VCV002587446.3), dbSNP rs141280536, ClinGen allele CA340134583.
Genomic context (GRCh38, chr1:45,332,249, plus strand): 5'-TCTCCACAGGGCACTGGCTGCACAGTGGGCGCTGTGGGGTACACACTGTGGCCCCTAGCT[C>T]CATGGCTGCTTGGTTGAAATCTCCTGGCCGGGCTGGGTCCACCAGCTGCTGGGCTAGACC-3'
Protein context (NP_001041639.1, residues 246-266): RPGDFNQAAM[Glu256Lys]LGATVCTPQR

ClinVar aggregate classification (germline): Uncertain significance (1 of 4 stars; one submission).

Conditions:
Hereditary cancer-predisposing syndrome. Also called: Hereditary neoplastic syndrome; Hereditary Cancer Syndrome; Neoplastic Syndromes, Hereditary; Tumor predisposition. Identifiers: Orphanet 140162, MedGen C0027672, MeSH D009386, MONDO:0015356.

Submission:

Ambry Genetics
Classification: Uncertain significance for Hereditary cancer-predisposing syndrome. Last evaluated: 2026-08-18. Review status: criteria provided, single submitter. Criteria: Ambry Variant Classification Scheme 2023. Collection method: clinical testing. Allele origin: germline.
Comment: The p.E284K variant (also known as c.850G>A), located in coding exon 10 of the MUTYH gene, results from a G to A substitution at nucleotide position 850. The glutamic acid at codon 284 is replaced by lysine, an amino acid with similar properties. This amino acid position is conserved. In addition, this alteration is predicted to be deleterious by in silico analysis. Based on the available evidence, the clinical significance of this variant remains unclear.